The following is an entry in ClinVar:

ClinVar aggregate classification (germline): Conflicting classifications of pathogenicity. Review status: criteria provided, conflicting classifications (1 of 4 stars). 6 submissions from 6 submitters: Uncertain significance (5); Likely benign (1). Last evaluated 2025-11-24.

Conditions:
Familial isolated arrhythmogenic right ventricular dysplasia. Identifiers: Orphanet 217656, MedGen C4274968, MONDO:0016342.
Cardiovascular phenotype. Identifiers: MedGen CN230736.
Cardiomyopathy (CMYO). Also called: Cardiomyopathies. Identifiers: Orphanet 167848, MedGen C0878544, MONDO:0004994, HP:0001638. Inheritance: Various modes of inheritance.
Arrhythmogenic right ventricular dysplasia 11. Also called: Arrhythmogenic Right Ventricular Dysplasia/Cardiomyopathy11; Arrhythmogenic right ventricular dysplasia 11 with mild palmoplantar keratoderma and woolly hair; ARRHYTHMOGENIC RIGHT VENTRICULAR DYSPLASIA, FAMILIAL, 11. Identifiers: MedGen C1864850, MONDO:0012506, OMIM 610476.

Allele frequency attached by ClinVar (database versions not stated): ExAC 0.00001; gnomAD 0.00003; gnomAD exomes 0.00004; TOPMed 0.00004; 1000 Genomes Project 30x 0.00016; 1000 Genomes Project 0.00020.
gnomAD v4.1: 58 of 1,599,750 alleles (0.0036%); highest among the groups gnomAD compares: Non-Finnish European, 0.0043%; no homozygotes.

Submissions (6):

Women's Health and Genetics/Laboratory Corporation of America, LabCorp
Classification: Uncertain significance. Last evaluated: 2025-11-24. Review status: criteria provided, single submitter. Criteria: LabCorp Variant Classification Summary - May 2015. Collection method: clinical testing. Allele origin: germline.
Comment: Variant summary: DSC2 c.2059G>A (p.Gly687Ser) results in a non-conservative amino acid change in the encoded protein sequence. Algorithms developed to predict the effect of missense changes on protein structure and function are either unavailable or do not agree on the potential impact of this missense change. The variant allele was found at a frequency of 4e-05 in 251016 control chromosomes. This frequency is not significantly higher than estimated for disease-causing variants in DSC2, allowing no conclusion about variant significance. To our knowledge, no occurrence of c.2059G>A in individuals affected with DSC2-related conditions and no experimental evidence demonstrating its impact on protein function have been reported. ClinVar contains an entry for this variant (Variation ID: 519405). Based on the evidence outlined above, the variant was classified as uncertain significance.

Labcorp Genetics (formerly Invitae), Labcorp
Classification: Uncertain significance for Arrhythmogenic right ventricular dysplasia 11. Last evaluated: 2025-10-23. Review status: criteria provided, single submitter. Criteria: Invitae Variant Classification Sherloc (09022015). Collection method: clinical testing. Allele origin: germline.
Comment: This sequence change replaces glycine, which is neutral and non-polar, with serine, which is neutral and polar, at codon 687 of the DSC2 protein (p.Gly687Ser). This variant is present in population databases (rs199616533, gnomAD 0.008%). This variant has not been reported in the literature in individuals affected with DSC2-related conditions. ClinVar contains an entry for this variant (Variation ID: 519405). Invitae Evidence Modeling of protein sequence and biophysical properties (such as structural, functional, and spatial information, amino acid conservation, physicochemical variation, residue mobility, and thermodynamic stability) indicates that this missense variant is not expected to disrupt DSC2 protein function with a negative predictive value of 80%. In summary, the available evidence is currently insufficient to determine the role of this variant in disease. Therefore, it has been classified as a Variant of Uncertain Significance.

Color Diagnostics, LLC DBA Color Health
Classification: Uncertain significance for Cardiomyopathy. Last evaluated: 2025-06-04. Review status: criteria provided, single submitter. Criteria: ACMG Guidelines, 2015. Collection method: clinical testing. Allele origin: germline.
Comment: This missense variant replaces glycine with serine at codon 687 of the DSC2 protein. Computational prediction suggests that this variant may not impact protein structure and function. To our knowledge, functional studies have not been reported for this variant. This variant has not been reported in individuals affected with DSC2-related disorders in the literature. This variant has been identified in 11/280594 chromosomes in the general population by the Genome Aggregation Database (gnomAD). The available evidence is insufficient to determine the role of this variant in disease conclusively. Therefore, this variant is classified as a Variant of Uncertain Significance.

All of Us Research Program, National Institutes of Health
Classification: Uncertain significance for Familial isolated arrhythmogenic right ventricular dysplasia. Last evaluated: 2024-08-06. Review status: criteria provided, single submitter. Criteria: ACMG Guidelines, 2015. Collection method: clinical testing. Allele origin: germline. Inheritance: Autosomal dominant inheritance. Observed: 9 variant alleles, 9 heterozygotes.
Comment: This missense variant replaces glycine with serine at codon 687 of the DSC2 protein. Computational prediction suggests that this variant may not impact protein structure and function (internally defined REVEL score threshold <= 0.5, PMID: 27666373). To our knowledge, functional studies have not been reported for this variant. This variant has not been reported in individuals affected with cardiovascular disorders in the literature. This variant has been identified in 11/280594 chromosomes in the general population by the Genome Aggregation Database (gnomAD). The available evidence is insufficient to determine the role of this variant in disease conclusively. Therefore, this variant is classified as a Variant of Uncertain Significance.

This study involves interpretation of variants in research participants for the purpose of population health screening. Participant phenotype was not available at the time of variant classification. Additional details can be found in publication PMID: 35346344, PMCID: PMC8962531

Ambry Genetics
Classification: Likely benign for Cardiovascular phenotype. Last evaluated: 2022-09-09. Review status: criteria provided, single submitter. Criteria: Ambry Variant Classification Scheme 2023. Collection method: clinical testing. Allele origin: germline.

Blueprint Genetics
Classification: Uncertain significance. Last evaluated: 2022-02-15. Review status: criteria provided, single submitter. Criteria: ACMG Guidelines, 2015. Collection method: clinical testing. Allele origin: germline.

NM_024422.6(DSC2):c.2059G>A (p.Gly687Ser)

Gene: DSC2 (desmocollin 2; minus strand). Cytogenetic location: 18q12.1.
Variant type: single nucleotide variant.
Coding change: c.2059G>A on transcript NM_024422.6 (MANE Select); coding-DNA position 2059, G replaced by A.
Protein change: p.Gly687Ser; replaces glycine 687 with serine.
Molecular consequence: missense variant.
Genome position (GRCh38, 1-based): chr18:31,071,671, C>T on the plus strand (G>A on the coding strand, the complement: DSC2 is on the minus strand). VCF-style: chr18-31071671-C-T. GRCh37 (hg19) VCF-style: chr18-28651637-C-T.
Other names: c.2059G>A, p.Gly687Ser (NM_004949.5); short protein forms G687S.
Identifiers: ClinVar variation 519405 (VCV000519405.19), dbSNP rs199616533, ClinGen allele CA034465.